The following is an entry in ClinVar:

ClinVar aggregate classification (germline): Conflicting classifications of pathogenicity. Review status: criteria provided, conflicting classifications (1 of 4 stars). 5 submissions from 5 submitters: Uncertain significance (3); Likely benign (2). Last evaluated 2025-05-02.

Conditions:
Cardiomyopathy (CMYO). Also called: Cardiomyopathies. Identifiers: Orphanet 167848, MedGen C0878544, MONDO:0004994, HP:0001638. Inheritance: Various modes of inheritance.
Hypertrophic cardiomyopathy. Also called: HYPERTROPHIC MYOCARDIOPATHY. Identifiers: Orphanet 217569, MedGen C0007194, MeSH D002312, MONDO:0005045, HP:0001639.

Allele frequency attached by ClinVar (database versions not stated): gnomAD exomes 0.00001; TOPMed 0.00001.
gnomAD v4.1: 7 of 808,332 alleles (0.00087%); highest among the groups gnomAD compares: Non-Finnish European, 0.0015%; no homozygotes.

Submissions (5):

Labcorp Genetics (formerly Invitae), Labcorp
Classification: Likely benign for Hypertrophic cardiomyopathy. Last evaluated: 2025-05-02. Review status: criteria provided, single submitter. Criteria: Invitae Variant Classification Sherloc (09022015). Collection method: clinical testing. Allele origin: germline.

ARUP Laboratories, Molecular Genetics and Genomics, ARUP Laboratories
Classification: Likely benign. Last evaluated: 2025-04-22. Review status: criteria provided, single submitter. Criteria: ARUP Molecular Germline Variant Investigation Process 2024. Collection method: clinical testing. Allele origin: germline.

All of Us Research Program, National Institutes of Health
Classification: Uncertain significance for Hypertrophic cardiomyopathy. Last evaluated: 2024-03-14. Review status: criteria provided, single submitter. Criteria: ACMG Guidelines, 2015. Collection method: clinical testing. Allele origin: germline. Inheritance: Autosomal dominant inheritance. Observed: 4 variant alleles, 4 heterozygotes.
Comment: This variant causes a C>T nucleotide substitution at the -11 position of intron 9 of the MYBPC3 gene. To our knowledge, functional studies have not been reported for this variant. This variant has not been reported in individuals affected with MYBPC3-related disorders in the literature. This variant has been identified in 3/227140 chromosomes in the general population by the Genome Aggregation Database (gnomAD). The available evidence is insufficient to determine the role of this variant in disease conclusively. Therefore, this variant is classified as a Variant of Uncertain Significance.

This study involves interpretation of variants in research participants for the purpose of population health screening. Participant phenotype was not available at the time of variant classification. Additional details can be found in publication PMID: 35346344, PMCID: PMC8962531

Color Diagnostics, LLC DBA Color Health
Classification: Uncertain significance for Cardiomyopathy. Last evaluated: 2024-01-29. Review status: criteria provided, single submitter. Criteria: ACMG Guidelines, 2015. Collection method: clinical testing. Allele origin: germline.
Comment: This variant causes a C>T nucleotide substitution at the -11 position of intron 9 of the MYBPC3 gene. To our knowledge, functional studies have not been reported for this variant. This variant has not been reported in individuals affected with MYBPC3-related disorders in the literature. This variant has been identified in 3/227140 chromosomes in the general population by the Genome Aggregation Database (gnomAD). The available evidence is insufficient to determine the role of this variant in disease conclusively. Therefore, this variant is classified as a Variant of Uncertain Significance.

GeneDx
Classification: Uncertain significance. Last evaluated: 2018-01-26. Review status: criteria provided, single submitter. Criteria: GeneDx Variant Classification (06012015). Collection method: clinical testing. Allele origin: germline. Affected: yes.
Comment: A variant of uncertain significance has been identified in the MYBPC3 gene. The c.906-11 C>T variant has not been published as pathogenic or been reported as benign to our knowledge. The c.906-11 C>T variant is not observed at a significant frequency in large population cohorts (Lek et al., 2016). Splice-site predictors are uninformative as to the effect on the natural splice acceptor site, and in the absence of functional mRNA studies, the physiological consequence of this variant cannot be precisely determined.Therefore, based on the currently available information, it is unclear whether this variant is pathogenic or rare benign.

NC_000011.10:g.47347040G>A

Gene: MYBPC3 (myosin binding protein C3; minus strand). Cytogenetic location: 11p11.2.
Variant type: single nucleotide variant.
Genome position: GRCh38 VCF-style: chr11-47347040-G-A. GRCh37 (hg19) VCF-style: chr11-47368591-G-A.
Other names: c.906-11C>T (NM_000256.3, LRG_386t1).
Identifiers: ClinVar variation 503628 (VCV000503628.8), dbSNP rs1296550753, ClinGen allele CA599059616.